The following is an entry in ClinVar:

NM_020184.4(CNNM4):c.1759G>T (p.Glu587Ter)

Gene: CNNM4 (cyclin and CBS domain divalent metal cation transport mediator 4; plus strand). Cytogenetic location: 2q11.2.
Variant type: single nucleotide variant.
Coding change: c.1759G>T on transcript NM_020184.4 (MANE Select); coding-DNA position 1759, G replaced by T.
Protein change: p.Glu587Ter; replaces glutamic acid 587 with a stop codon.
Molecular consequence: nonsense.
Genome position (GRCh38, 1-based): chr2:96,799,134, G>T. VCF-style: chr2-96799134-G-T. GRCh37 (hg19) VCF-style: chr2-97464871-G-T.
Other names: short protein forms E587*.
Identifiers: ClinVar variation 2114369 (VCV002114369.4), dbSNP rs752082912, ClinGen allele CA1783463.

ClinVar aggregate classification (germline): Pathogenic (1 of 4 stars; one submission).

Submission:

Labcorp Genetics (formerly Invitae), Labcorp
Classification: Pathogenic. Last evaluated: 2022-10-19. Review status: criteria provided, single submitter. Criteria: Invitae Variant Classification Sherloc (09022015). Collection method: clinical testing. Allele origin: germline.
Comment: This sequence change creates a premature translational stop signal (p.Glu587*) in the CNNM4 gene. It is expected to result in an absent or disrupted protein product. Loss-of-function variants in CNNM4 are known to be pathogenic (PMID: 19200525). This variant is present in population databases (rs752082912, gnomAD 0.0009%). This variant has not been reported in the literature in individuals affected with CNNM4-related conditions. For these reasons, this variant has been classified as Pathogenic.

Literature cited by the submitters: PubMed 19200525.